The following is an entry in ClinVar:

NM_001433705.1(NLRP5):c.905G>A (p.Arg302Gln)

Genes: NLRP5 (NLR family pyrin domain containing 5; plus strand), LOC126862935 (BRD4-independent group 4 enhancer GRCh37_chr19:56537936-56539135; plus strand). Cytogenetic location: 19q13.43.
Variant type: single nucleotide variant.
Coding change: c.905G>A on transcript NM_001433705.1 (MANE Select); coding-DNA position 905, G replaced by A.
Protein change: p.Arg302Gln; replaces arginine 302 with glutamine.
Molecular consequence: missense variant.
Genome position (GRCh38, 1-based): chr19:56,027,291, G>A. VCF-style: chr19-56027291-G-A. GRCh37 (hg19) VCF-style: chr19-56538657-G-A.
Other names: NM_153447.4:c.1058G>A; short protein forms R302Q.
Identifiers: ClinVar variation 718965 (VCV000718965.29), dbSNP rs200105264, ClinGen allele CA9685442.

ClinVar aggregate classification (germline): Likely benign. Review status: criteria provided, multiple submitters, no conflicts (2 of 4 stars). 3 submissions from 3 submitters: Likely benign (3). Last evaluated 2025-12-01.

Allele frequency attached by ClinVar (database versions not stated): gnomAD 0.00021 and 0.00040; TOPMed 0.00022; ESP Exome Variant Server 0.00032; gnomAD exomes 0.00116; 1000 Genomes Project 0.00120; 1000 Genomes Project 30x 0.00125; ExAC 0.00143.
gnomAD v4.1: 1,054 of 1,611,764 alleles (0.065%); highest among the groups gnomAD compares: South Asian, 0.76%; 10 homozygotes.

Submissions (3):

CeGaT Center for Human Genetics Tuebingen
Classification: Likely benign. Last evaluated: 2025-12-01. Review status: criteria provided, single submitter. Criteria: CeGaT Center For Human Genetics Tuebingen Variant Classification Criteria Version 2. Collection method: clinical testing. Allele origin: germline. Affected: yes. Observed: 2 variant alleles.
Comment: NLRP5: BP4, BS2

Labcorp Genetics (formerly Invitae), Labcorp
Classification: Likely benign. Last evaluated: 2017-12-12. Review status: criteria provided, single submitter. Criteria: Invitae Variant Classification Sherloc (09022015). Collection method: clinical testing. Allele origin: germline.

Breakthrough Genomics
Classification: Likely benign. Review status: criteria provided, single submitter. Criteria: ACMG Guidelines, 2015. Collection method: not provided. Allele origin: germline. Inheritance: Unknown mechanism. Affected: yes.